The following is an entry in ClinVar:

NM_001288705.3(CSF1R):c.2537G>C (p.Trp846Ser)

Gene: CSF1R (colony stimulating factor 1 receptor; minus strand). Cytogenetic location: 5q32.
Variant type: single nucleotide variant.
Coding change: c.2537G>C on transcript NM_001288705.3 (MANE Select); coding-DNA position 2537, G replaced by C.
Protein change: p.Trp846Ser; replaces tryptophan 846 with serine.
Molecular consequence: missense variant. On other transcripts: non-coding transcript variant (2).
Genome position (GRCh38, 1-based): chr5:150,056,043, C>G on the plus strand (G>C on the coding strand, the complement: CSF1R is on the minus strand). VCF-style: chr5-150056043-C-G. GRCh37 (hg19) VCF-style: chr5-149435606-C-G.
Other names: c.2537G>C, p.Trp846Ser (NM_001349736.2, NM_001375320.1, NM_005211.4); c.2093G>C, p.Trp698Ser (NM_001375321.1); short protein forms W698S, W846S.
Identifiers: ClinVar variation 845548 (VCV000845548.9), dbSNP rs1757197984, ClinGen allele CA361758313.

ClinVar aggregate classification (germline): Uncertain significance (1 of 4 stars; one submission).

Submission:

Labcorp Genetics (formerly Invitae), Labcorp
Classification: Uncertain significance. Last evaluated: 2019-03-18. Review status: criteria provided, single submitter. Criteria: Invitae Variant Classification Sherloc (09022015). Collection method: clinical testing. Allele origin: germline.
Comment: In summary, the available evidence is currently insufficient to determine the role of this variant in disease. Therefore, it has been classified as a Variant of Uncertain Significance. Algorithms developed to predict the effect of missense changes on protein structure and function are either unavailable or do not agree on the potential impact of this missense change (SIFT: "Deleterious"; PolyPhen-2: "Probably Damaging"; Align-GVGD: "Class C0"). This variant has not been reported in the literature in individuals with CSF1R-related conditions. This variant is not present in population databases (ExAC no frequency). This sequence change replaces tryptophan with serine at codon 846 of the CSF1R protein (p.Trp846Ser). The tryptophan residue is highly conserved and there is a large physicochemical difference between tryptophan and serine.